The following is an entry in ClinVar:

NM_000088.4(COL1A1):c.2140G>A (p.Ala714Thr)

Gene: COL1A1 (collagen type I alpha 1 chain; minus strand). Cytogenetic location: 17q21.33.
Variant type: single nucleotide variant.
Coding change: c.2140G>A on transcript NM_000088.4 (MANE Select); coding-DNA position 2140, G replaced by A.
Protein change: p.Ala714Thr; replaces alanine 714 with threonine.
Molecular consequence: missense variant.
Genome position (GRCh38, 1-based): chr17:50,191,478, C>T on the plus strand (G>A on the coding strand, the complement: COL1A1 is on the minus strand). VCF-style: chr17-50191478-C-T. GRCh37 (hg19) VCF-style: chr17-48268839-C-T.
Other names: short protein forms A714T.
Identifiers: ClinVar variation 2190062 (VCV002190062.4), dbSNP rs2509197840, ClinGen allele CA400211421.

ClinVar aggregate classification (germline): Uncertain significance (1 of 4 stars; one submission).

Conditions:
Osteogenesis imperfecta type I (OI1). Also called: Lobstein disease; Osteogenesis imperfecta type 1; Classic Non-deforming Osteogenesis Imperfecta with Blue Sclerae; Lobstein's Disease; OI, TYPE I; OSTEOGENESIS IMPERFECTA TARDA. Identifiers: Orphanet 216796, Orphanet 666, MedGen C0023931, MONDO:0008146, OMIM 166200. Disease mechanism: loss of function.

Allele frequency attached by ClinVar (database versions not stated): gnomAD exomes below 0.00001.
gnomAD v4.1: 1 of 1,609,010 alleles (0.000062%); highest among the groups gnomAD compares: Non-Finnish European, 0.000085%; no homozygotes.

Submission:

Labcorp Genetics (formerly Invitae), Labcorp
Classification: Uncertain significance for Osteogenesis imperfecta type I. Last evaluated: 2022-08-09. Review status: criteria provided, single submitter. Criteria: Invitae Variant Classification Sherloc (09022015). Collection method: clinical testing. Allele origin: germline.
Comment: In summary, the available evidence is currently insufficient to determine the role of this variant in disease. Therefore, it has been classified as a Variant of Uncertain Significance. Advanced modeling of protein sequence and biophysical properties (such as structural, functional, and spatial information, amino acid conservation, physicochemical variation, residue mobility, and thermodynamic stability) performed at Invitae indicates that this missense variant is not expected to disrupt COL1A1 protein function. This variant has not been reported in the literature in individuals affected with COL1A1-related conditions. This variant is not present in population databases (gnomAD no frequency). This sequence change replaces alanine, which is neutral and non-polar, with threonine, which is neutral and polar, at codon 714 of the COL1A1 protein (p.Ala714Thr).